The following is an entry in ClinVar:

ClinVar aggregate classification (germline): Uncertain significance (1 of 4 stars; one submission).

Conditions:
Myopathy, proximal, and ophthalmoplegia (CMYO6). Also called: MYOPATHY WITH CONGENITAL JOINT CONTRACTURES, OPHTHALMOPLEGIA, AND RIMMED VACUOLES; INCLUSION BODY MYOPATHY 3, AUTOSOMAL DOMINANT; CONGENITAL MYOPATHY 6 WITH OPHTHALMOPLEGIA. Identifiers: Orphanet 363677, Orphanet 79091, MedGen C1854106, MONDO:0011577, OMIM 605637.

Allele frequency attached by ClinVar (database versions not stated): gnomAD exomes below 0.00001; ExAC 0.00001; TOPMed 0.00001.
gnomAD v4.1: 2 of 1,614,214 alleles (0.00012%); highest among the groups gnomAD compares: Admixed American, 0.0033%; no homozygotes.

Submission:

Labcorp Genetics (formerly Invitae), Labcorp
Classification: Uncertain significance for Myopathy, proximal, and ophthalmoplegia. Last evaluated: 2025-11-24. Review status: criteria provided, single submitter. Criteria: Invitae Variant Classification Sherloc (09022015). Collection method: clinical testing. Allele origin: germline.
Comment: This sequence change replaces alanine, which is neutral and non-polar, with glycine, which is neutral and non-polar, at codon 616 of the MYH2 protein (p.Ala616Gly). This variant is present in population databases (rs779740672, gnomAD 0.006%). This variant has not been reported in the literature in individuals affected with MYH2-related conditions. ClinVar contains an entry for this variant (Variation ID: 2914251). Invitae Evidence Modeling of protein sequence and biophysical properties (such as structural, functional, and spatial information, amino acid conservation, physicochemical variation, residue mobility, and thermodynamic stability) indicates that this missense variant is not expected to disrupt MYH2 protein function with a negative predictive value of 80%. In summary, the available evidence is currently insufficient to determine the role of this variant in disease. Therefore, it has been classified as a Variant of Uncertain Significance.

NM_017534.6(MYH2):c.1847C>G (p.Ala616Gly)

Genes: MYH2 (myosin heavy chain 2; minus strand), MYHAS (myosin heavy chain gene cluster antisense RNA; plus strand). Cytogenetic location: 17p13.1.
Variant type: single nucleotide variant.
Coding change: c.1847C>G on transcript NM_017534.6 (MANE Select); coding-DNA position 1847, C replaced by G.
Protein change: p.Ala616Gly; replaces alanine 616 with glycine.
Molecular consequence: missense variant.
Genome position (GRCh38, 1-based): chr17:10,537,283, G>C on the plus strand (C>G on the coding strand, the complement: MYH2 is on the minus strand). VCF-style: chr17-10537283-G-C. GRCh37 (hg19) VCF-style: chr17-10440600-G-C.
Other names: c.1847C>G, p.Ala616Gly (NM_001100112.2); short protein forms A616G.
Identifiers: ClinVar variation 2914251 (VCV002914251.3), dbSNP rs779740672, ClinGen allele CA8391286.